The following is an entry in ClinVar:

ClinVar aggregate classification (germline): Pathogenic/Likely pathogenic. Review status: criteria provided, multiple submitters, no conflicts (2 of 4 stars). 5 submissions from 5 submitters: Pathogenic (2); Likely pathogenic (1). 2 of the submissions do not count toward it. Last evaluated 2025-04-10.

Conditions:
Central core myopathy (CMYO1A). Also called: CONGENITAL MYOPATHY 1A, AUTOSOMAL DOMINANT, WITH SUSCEPTIBILITY TO MALIGNANT HYPERTHERMIA; Central core disease; Myopathy, central fibrillar. Identifiers: Orphanet 597, MedGen C5830701, MONDO:0007294, OMIM 117000.
Malignant hyperthermia, susceptibility to, 1 (MHS1). Also called: Anesthesia related hyperthermia; Malignant hyperpyrexia; Fulminating hyperpyrexia; Pharmacogenic myopathy; Malignant hyperthermia suceptibility 1; RYR1-Related Malignant Hyperthermia Susceptibility. Identifiers: Orphanet 423, MedGen C2930980, MONDO:0007783, OMIM 145600.
RYR1-related disorder. Also called: RYR1-related condition; RYR1-related disorders. Identifiers: MedGen CN239331.

Allele frequency attached by ClinVar (database versions not stated): gnomAD exomes below 0.00001; gnomAD 0.00001.

Submissions (5):

Labcorp Genetics (formerly Invitae), Labcorp
Classification: Pathogenic for RYR1-related disorder. Last evaluated: 2025-04-10. Review status: criteria provided, single submitter. Criteria: Invitae Variant Classification Sherloc (09022015). Collection method: clinical testing. Allele origin: germline.
Comment: This sequence change creates a premature translational stop signal (p.Arg280*) in the RYR1 gene. It is expected to result in an absent or disrupted protein product. Loss-of-function variants in RYR1 are known to be pathogenic (PMID: 23919265, 25960145, 28818389, 30611313). The frequency data for this variant in the population databases is considered unreliable, as metrics indicate poor data quality at this position in the gnomAD database. This premature translational stop signal has been observed in individual(s) with RYR1-related conditions (PMID: 29556213). ClinVar contains an entry for this variant (Variation ID: 620584). For these reasons, this variant has been classified as Pathogenic.

Blueprint Genetics
Classification: Likely pathogenic for RYR1-related disorders. Last evaluated: 2024-11-13. Review status: criteria provided, single submitter. Criteria: ACMG Guidelines, 2015. Collection method: clinical testing. Allele origin: germline. Affected: yes. Observed: 2 variant alleles.

Molecular Diagnostics Laboratory, M Health Fairview: University of Minnesota
Classification: Pathogenic for Central core myopathy. Last evaluated: 2017-08-29. Review status: criteria provided, single submitter. Criteria: ACMG Guidelines, 2015. Collection method: clinical testing. Allele origin: germline. Affected: yes. Observed: 1 variant allele.

PreventionGenetics, part of Exact Sciences
Classification: Pathogenic for RYR1-related condition. Last evaluated: 2024-04-16. Review status: no assertion criteria provided. Collection method: clinical testing. Allele origin: germline. Not counted in ClinVar's aggregate classification.
Comment: The RYR1 c.838C>T variant is predicted to result in premature protein termination (p.Arg280*). This variant, along with a missense variant in RYR1, were reported in an individual with congenital myopathy (Table 2, Todd et al. 2018. PubMed ID: 29556213). This variant is reported in two alleles out of ~280,000 alleles in the gnomAD database. Loss of function variants, including frameshift, splicing, and nonsense variants have only been observed for the autosomal recessive myopathy phenotype and are expected to be pathogenic for this phenotype. Loss of function variants are not established as causative for autosomal dominant malignant hyperthermia. Taken together, this variant is interpreted as pathogenic for autosomal recessive RYR1-related disorders and interpreted as uncertain for autosomal dominant malignant hyperthermia.

Color Diagnostics, LLC DBA Color Health
Classification: Uncertain significance for Malignant hyperthermia, susceptibility to, 1. Last evaluated: 2025-09-05. Review status: flagged submission. Criteria: ACMG Guidelines, 2015. Collection method: clinical testing. Allele origin: germline. Not counted in ClinVar's aggregate classification.
Comment: This variant changes 1 nucleotide in exon 10 of the RYR1 gene, creating a premature translation stop signal. This variant is expected to result in an absent or non-functional protein product. To our knowledge, this variant has not been reported in individuals affected with autosomal dominant malignant hyperthermia. This variant has been identified in 2/280324 chromosomes in the general population by the Genome Aggregation Database (gnomAD). Loss of RYR1 function due to truncation variants is not an established disease mechanism for autosomal dominant malignant hyperthermia, although it is associated with other phenotype(s) (ClinVar Variation ID: 620584). Therefore, this variant is classified as a Variant of Uncertain Significance for autosomal dominant malignant hyperthermia.
ClinVar note: Reason: Outlier claim with insufficient supporting evidence

Literature cited by the submitters: PubMed 23919265 (cited by Labcorp Genetics (formerly Invitae), Labcorp and Molecular Diagnostics Laboratory, M Health Fairview: University of Minnesota); PubMed 25960145 (cited by Labcorp Genetics (formerly Invitae), Labcorp); PubMed 28818389 (cited by Labcorp Genetics (formerly Invitae), Labcorp); PubMed 30611313 (cited by Labcorp Genetics (formerly Invitae), Labcorp); PubMed 29556213 (cited by Labcorp Genetics (formerly Invitae), Labcorp); PubMed 21989361 (cited by Molecular Diagnostics Laboratory, M Health Fairview: University of Minnesota); PubMed 16621918 (cited by Molecular Diagnostics Laboratory, M Health Fairview: University of Minnesota).

NM_000540.3(RYR1):c.838C>T (p.Arg280Ter)

Gene: RYR1 (ryanodine receptor 1; plus strand). Cytogenetic location: 19q13.2.
Variant type: single nucleotide variant.
Coding change: c.838C>T on transcript NM_000540.3 (MANE Select); coding-DNA position 838, C replaced by T.
Protein change: p.Arg280Ter; replaces arginine 280 with a stop codon.
Molecular consequence: nonsense.
Genome position (GRCh38, 1-based): chr19:38,448,392, C>T. VCF-style: chr19-38448392-C-T. GRCh37 (hg19) VCF-style: chr19-38939032-C-T.
Other names: c.838C>T, p.Arg280Ter (NM_001042723.2); short protein forms R280*.
Identifiers: ClinVar variation 620584 (VCV000620584.7), dbSNP rs1278804520, ClinGen allele CA405681155.